The following is an entry in ClinVar:

NM_079420.3(MYL1):c.45G>C (p.Ala15=)

Gene: MYL1 (myosin light chain 1; minus strand). Cytogenetic location: 2q34.
Variant type: single nucleotide variant.
Coding change: c.45G>C on transcript NM_079420.3 (MANE Select); coding-DNA position 45, G replaced by C.
Protein change: p.Ala15=; no amino-acid change (alanine 15 retained).
Molecular consequence: synonymous variant.
Genome position (GRCh38, 1-based): chr2:210,314,998, C>G on the plus strand (G>C on the coding strand, the complement: MYL1 is on the minus strand). VCF-style: chr2-210314998-C-G. GRCh37 (hg19) VCF-style: chr2-211179722-C-G.
Identifiers: ClinVar variation 2498861 (VCV002498861.28), dbSNP rs372051162, ClinGen allele CA65054547.

ClinVar aggregate classification (germline): Likely benign (1 of 4 stars; one submission).

Submission:

CeGaT Center for Human Genetics Tuebingen
Classification: Likely benign. Last evaluated: 2023-01-01. Review status: criteria provided, single submitter. Criteria: CeGaT Center For Human Genetics Tuebingen Variant Classification Criteria Version 2. Collection method: clinical testing. Allele origin: germline. Affected: yes. Observed: 1 variant allele.
Comment: MYL1: BP4, BP7